The following is an entry in ClinVar:

NM_024422.6(DSC2):c.2152del (p.Ala718fs)

Gene: DSC2 (desmocollin 2; minus strand). Cytogenetic location: 18q12.1.
Variant type: Deletion.
Coding change: c.2152del on transcript NM_024422.6 (MANE Select); coding-DNA position 2152, one base deleted (G; older notation c.2152delG).
Protein change: p.Ala718fs; shifts the reading frame from alanine 718.
Molecular consequence: frameshift variant.
Genome position (GRCh38, 1-based): chr18:31,070,824, C deleted on the plus strand (G on the coding strand, the reverse complement: DSC2 is on the minus strand); the first of 4 consecutive C bases (chr18:31,070,824-31,070,827); deleting any one gives the same sequence. VCF-style (leftmost placement, unchanged base first): chr18-31070823-GC-G. GRCh37 (hg19) VCF-style: chr18-28650789-GC-G.
Other names: c.2152del, p.Ala718fs (NM_004949.5); short protein forms A718fs.
Identifiers: ClinVar variation 1338797 (VCV001338797.3), dbSNP rs760915248, ClinGen allele CA035169.

ClinVar aggregate classification (germline): Conflicting classifications of pathogenicity. Review status: criteria provided, conflicting classifications (1 of 4 stars). 3 submissions from 3 submitters: Likely pathogenic (1); Uncertain significance (2). Last evaluated 2025-09-09.

Conditions:
Familial isolated arrhythmogenic right ventricular dysplasia. Identifiers: Orphanet 217656, MedGen C4274968, MONDO:0016342.
Arrhythmogenic right ventricular dysplasia 11. Also called: Arrhythmogenic right ventricular dysplasia 11 with mild palmoplantar keratoderma and woolly hair; Arrhythmogenic Right Ventricular Dysplasia/Cardiomyopathy11; ARRHYTHMOGENIC RIGHT VENTRICULAR DYSPLASIA, FAMILIAL, 11. Identifiers: MedGen C1864850, MONDO:0012506, OMIM 610476.
Cardiomyopathy (CMYO). Also called: Cardiomyopathies. Identifiers: Orphanet 167848, MedGen C0878544, MONDO:0004994, HP:0001638. Inheritance: Various modes of inheritance.

Submissions (3):

Color Diagnostics, LLC DBA Color Health
Classification: Uncertain significance for Cardiomyopathy. Last evaluated: 2025-09-09. Review status: criteria provided, single submitter. Criteria: ACMG Guidelines, 2015. Collection method: clinical testing. Allele origin: germline.
Comment: This variant deletes 1 nucleotide in exon 14 of the DSC2 gene, creating a frameshift and premature translation stop signal. This variant is expected to result in an absent or non-functional protein product. To our knowledge, this variant has not been reported in individuals affected with DSC2-related disorders in the literature. This variant has been identified in 1/251286 chromosomes in the general population by the Genome Aggregation Database (gnomAD). The clinical relevance of loss-of-function DSC2 truncation and splice variants in autosomal dominant arrhythmogenic cardiomyopathy is not yet clearly established. The available evidence is insufficient to determine the role of this variant in disease conclusively. Therefore, this variant is classified as a Variant of Uncertain Significance.

All of Us Research Program, National Institutes of Health
Classification: Uncertain significance for Familial isolated arrhythmogenic right ventricular dysplasia. Last evaluated: 2023-11-20. Review status: criteria provided, single submitter. Criteria: ACMG Guidelines, 2015. Collection method: clinical testing. Allele origin: germline. Inheritance: Autosomal dominant inheritance. Observed: 1 variant allele, 1 heterozygote.
Comment: This variant deletes 1 nucleotide in exon 14 of the DSC2 gene, creating a frameshift and premature translation stop signal. This variant is expected to result in an absent or non-functional protein product. To our knowledge, this variant has not been reported in individuals affected with cardiovascular disorders in the literature. This variant has been identified in 1/251286 chromosomes in the general population by the Genome Aggregation Database (gnomAD). Although there is a suspicion for a pathogenic role, the clinical relevance of loss-of-function DSC2 truncation and splice variants in autosomal dominant arrhythmogenic cardiomyopathy is not yet clearly established. The available evidence is insufficient to determine the role of this variant in disease conclusively. Therefore, this variant is classified as a Variant of Uncertain Significance.

This study involves interpretation of variants in research participants for the purpose of population health screening. Participant phenotype was not available at the time of variant classification. Additional details can be found in publication PMID: 35346344, PMCID: PMC8962531

Institute of Human Genetics, University of Leipzig Medical Center
Classification: Likely pathogenic for Arrhythmogenic right ventricular dysplasia 11. Last evaluated: 2022-01-17. Review status: criteria provided, single submitter. Criteria: ACMG Guidelines, 2015. Collection method: clinical testing. Allele origin: unknown.
Comment: _x000D_ Criteria applied: PVS1, PM2_SUP